The following is an entry in ClinVar:

NM_032119.4(ADGRV1):c.305A>G (p.Asp102Gly)

Gene: ADGRV1 (adhesion G protein-coupled receptor V1; plus strand). Cytogenetic location: 5q14.3.
Variant type: single nucleotide variant.
Coding change: c.305A>G on transcript NM_032119.4 (MANE Select); coding-DNA position 305, A replaced by G.
Protein change: p.Asp102Gly; replaces aspartic acid 102 with glycine.
Molecular consequence: missense variant. On other transcripts: non-coding transcript variant (1).
Genome position (GRCh38, 1-based): chr5:90,617,901, A>G. VCF-style: chr5-90617901-A-G. GRCh37 (hg19) VCF-style: chr5-89913718-A-G.
Other names: short protein forms D102G.
Identifiers: ClinVar variation 228720 (VCV000228720.4), dbSNP rs876657824, ClinGen allele CA10576658.
Genomic context (GRCh38, chr5:90,617,901, plus strand): 5'-ATGCTGCAGCTTTTATACCTGCCGGAGAAACAAACAGAACAGTGTACATAGCAGTATGTG[A>G]TGATGACTTACCAGAGCCTGACGAAACTTTTATTTTTCACTTAACATTACAGGTAAGTCC-3'
Protein context (NP_115495.3, residues 92-112): TNRTVYIAVC[Asp102Gly]DDLPEPDETF

ClinVar aggregate classification (germline): Uncertain significance (1 of 4 stars; one submission).

Allele frequency attached by ClinVar (database versions not stated): gnomAD 0.00001; TOPMed 0.00001.

Submission:

Laboratory for Molecular Medicine, Mass General Brigham Personalized Medicine
Classification: Uncertain significance. Last evaluated: 2016-03-31. Review status: criteria provided, single submitter. Criteria: LMM Criteria. Collection method: clinical testing. Allele origin: germline. Observed: 1 variant allele.
Comment: The p.Asp102Gly variant in GPR98 has not been previously reported in individuals with hearing loss. Data from large population studies are insufficient to asses s the frequency of this variant. Computational prediction tools and conservation analysis suggest that the p.Asp102Gly variant may impact the protein, though th is information is not predictive enough to determine pathogenicity. In summary, the clinical significance of the p.Asp102Gly variant is uncertain.